The following is an entry in ClinVar:

NM_182931.3(KMT2E):c.1523A>G (p.Asn508Ser)

Gene: KMT2E (lysine methyltransferase 2E (inactive); plus strand). Cytogenetic location: 7q22.3.
Variant type: single nucleotide variant.
Coding change: c.1523A>G on transcript NM_182931.3 (MANE Select); coding-DNA position 1523, A replaced by G.
Protein change: p.Asn508Ser; replaces asparagine 508 with serine.
Molecular consequence: missense variant.
Genome position (GRCh38, 1-based): chr7:105,090,173, A>G. VCF-style: chr7-105090173-A-G. GRCh37 (hg19) VCF-style: chr7-104730620-A-G.
Other names: c.1523A>G, p.Asn508Ser (NM_001410908.1, NM_018682.4); short protein forms N508S.
Identifiers: ClinVar variation 2723064 (VCV002723064.3), dbSNP rs920632682, ClinGen allele CA164004248.

ClinVar aggregate classification (germline): Uncertain significance (1 of 4 stars; one submission).

Allele frequency attached by ClinVar (database versions not stated): gnomAD 0.00001; gnomAD exomes 0.00001; TOPMed 0.00001.
gnomAD v4.1: 16 of 1,612,936 alleles (0.00099%); highest among the groups gnomAD compares: Non-Finnish European, 0.0013%; no homozygotes.

Submission:

Labcorp Genetics (formerly Invitae), Labcorp
Classification: Uncertain significance. Last evaluated: 2024-02-06. Review status: criteria provided, single submitter. Criteria: Invitae Variant Classification Sherloc (09022015). Collection method: clinical testing. Allele origin: germline.
Comment: This sequence change replaces asparagine, which is neutral and polar, with serine, which is neutral and polar, at codon 508 of the KMT2E protein (p.Asn508Ser). This variant is present in population databases (no rsID available, gnomAD 0.007%). This variant has not been reported in the literature in individuals affected with KMT2E-related conditions. Advanced modeling of protein sequence and biophysical properties (such as structural, functional, and spatial information, amino acid conservation, physicochemical variation, residue mobility, and thermodynamic stability) performed at Invitae indicates that this missense variant is not expected to disrupt KMT2E protein function with a negative predictive value of 80%. In summary, the available evidence is currently insufficient to determine the role of this variant in disease. Therefore, it has been classified as a Variant of Uncertain Significance.